The following is an entry in ClinVar:

ClinVar aggregate classification (germline): Uncertain significance (1 of 4 stars; one submission).

Conditions:
Inborn genetic diseases. Identifiers: MedGen C0950123, MeSH D030342.

gnomAD v4.1: 1 of 1,614,062 alleles (0.000062%); highest among the groups gnomAD compares: Non-Finnish European, 0.000085%; no homozygotes.

Submission:

Ambry Genetics
Classification: Uncertain significance for Inborn genetic diseases. Last evaluated: 2026-07-19. Review status: criteria provided, single submitter. Criteria: Ambry Variant Classification Scheme 2023. Collection method: clinical testing. Allele origin: germline.
Comment: The c.12254C>T (p.T4085I) alteration is located in exon 48 (coding exon 48) of the KMT2C gene. This alteration results from a C to T substitution at nucleotide position 12254, causing the threonine (T) at amino acid position 4085 to be replaced by an isoleucine (I). Based on data from gnomAD, the T allele has an overall frequency of <0.001% (1/251308) total alleles studied. The highest observed frequency was 0.001% (1/113666) of European (non-Finnish) alleles. Based on insufficient or conflicting evidence, the clinical significance of this alteration remains unclear.

NM_170606.3(KMT2C):c.12254C>T (p.Thr4085Ile)

Gene: KMT2C (lysine methyltransferase 2C; minus strand). Cytogenetic location: 7q36.1.
Variant type: single nucleotide variant.
Coding change: c.12254C>T on transcript NM_170606.3 (MANE Select); coding-DNA position 12254, C replaced by T.
Protein change: p.Thr4085Ile; replaces threonine 4085 with isoleucine.
Molecular consequence: missense variant.
Genome position (GRCh38, 1-based): chr7:152,154,032, G>A on the plus strand (C>T on the coding strand, the complement: KMT2C is on the minus strand). VCF-style: chr7-152154032-G-A. GRCh37 (hg19) VCF-style: chr7-151851117-G-A.
Other names: short protein forms T4085I.
Identifiers: ClinVar variation 5023378 (VCV005023378.1).
Genomic context (GRCh38, chr7:152,154,032, plus strand): 5'-CATACTGTTTAACATTAAGAAGTCATTTAATCTTTTACCTCAGCAGCTGTAGGATGCAGA[G>A]TAATTGCTACAGATATAAGACCTGATCTGGGACCATTTGGGGAAGGACCAAAAGGTGACG-3'
Protein context (NP_733751.2, residues 4075-4095): PRSGLISVAI[Thr4085Ile]LHPTAAENIS